The following is an entry in ClinVar:

NM_001202.6(BMP4):c.349G>T (p.Val117Leu)

Gene: BMP4 (bone morphogenetic protein 4; minus strand). Cytogenetic location: 14q22.2.
Variant type: single nucleotide variant.
Coding change: c.349G>T on transcript NM_001202.6 (MANE Select); coding-DNA position 349, G replaced by T.
Protein change: p.Val117Leu; replaces valine 117 with leucine.
Molecular consequence: missense variant.
Genome position (GRCh38, 1-based): chr14:53,951,874, C>A on the plus strand (G>T on the coding strand, the complement: BMP4 is on the minus strand). VCF-style: chr14-53951874-C-A. GRCh37 (hg19) VCF-style: chr14-54418592-C-A.
Other names: c.490G>T, p.Val164Leu (NM_001347912.1); c.160G>T, p.Val54Leu (NM_001347913.2, NM_001347915.2, NM_001347917.1); c.349G>T, p.Val117Leu (NM_001347914.2, NM_001347916.1, NM_130850.5 and 1 more transcripts); c.349G>T (NM_001202.3); short protein forms V54L, V117L, V164L.
Identifiers: ClinVar variation 3576620 (VCV003576620.3).

ClinVar aggregate classification (germline): Uncertain significance. Review status: criteria provided, multiple submitters, no conflicts (2 of 4 stars). 3 submissions from 3 submitters: Uncertain significance (3). Last evaluated 2025-10-29.

Conditions:
Inborn genetic diseases. Identifiers: MedGen C0950123, MeSH D030342.
Microphthalmia with brain and digit anomalies (MCOPS6). Also called: MICROPHTHALMIA AND PITUITARY ANOMALIES; Microphthalmia, syndromic 6. Identifiers: Orphanet 139471, MedGen C1864689, MONDO:0011936, OMIM 607932.
Orofacial cleft 11 (OFC11). Also called: Orofacial cleft 11; ofc11; CLEFT LIP WITH OR WITHOUT CLEFT PALATE, NONSYNDROMIC, 11. Identifiers: MedGen C2677434, MONDO:0010906, OMIM 600625.

gnomAD v4.1: 40 of 1,599,768 alleles (0.0025%); highest among the groups gnomAD compares: Admixed American, 0.0067%; no homozygotes.

Submissions (3):

Labcorp Genetics (formerly Invitae), Labcorp
Classification: Uncertain significance for Microphthalmia with brain and digit anomalies; Orofacial cleft 11. Last evaluated: 2025-10-29. Review status: criteria provided, single submitter. Criteria: Invitae Variant Classification Sherloc (09022015). Collection method: clinical testing. Allele origin: germline.
Comment: This sequence change replaces valine, which is neutral and non-polar, with leucine, which is neutral and non-polar, at codon 117 of the BMP4 protein (p.Val117Leu). This variant is present in population databases (rs527591537, gnomAD 0.01%). This variant has not been reported in the literature in individuals affected with BMP4-related conditions. ClinVar contains an entry for this variant (Variation ID: 3576620). Invitae Evidence Modeling of protein sequence and biophysical properties (such as structural, functional, and spatial information, amino acid conservation, physicochemical variation, residue mobility, and thermodynamic stability) indicates that this missense variant is not expected to disrupt BMP4 protein function with a negative predictive value of 80%. In summary, the available evidence is currently insufficient to determine the role of this variant in disease. Therefore, it has been classified as a Variant of Uncertain Significance.

Ambry Genetics
Classification: Uncertain significance for Inborn genetic diseases. Last evaluated: 2025-03-25. Review status: criteria provided, single submitter. Criteria: Ambry Variant Classification Scheme 2023. Collection method: clinical testing. Allele origin: germline.

Fulgent Genetics
Classification: Uncertain significance for Orofacial cleft 11; Microphthalmia with brain and digit anomalies. Last evaluated: 2024-02-28. Review status: criteria provided, single submitter. Criteria: ACMG Guidelines, 2015. Collection method: clinical testing. Allele origin: germline.